The following is an entry in ClinVar:

ClinVar aggregate classification (germline): Conflicting classifications of pathogenicity. Review status: criteria provided, conflicting classifications (1 of 4 stars). 2 submissions from 2 submitters: Uncertain significance (1); Likely benign (1). Last evaluated 2025-09-24.

Conditions:
Developmental and epileptic encephalopathy, 42 (DEE42A). Also called: Epileptic encephalopathy, early infantile, 42; DEVELOPMENTAL AND EPILEPTIC ENCEPHALOPATHY 42A; EPILEPTIC ENCEPHALOPATHY, EARLY INFANTILE, 42A. Identifiers: MedGen C4310716, MONDO:0014917, OMIM 617106.
Episodic ataxia type 2 (EA2). Also called: ACETAZOLAMIDE-RESPONSIVE HEREDITARY PAROXYSMAL CEREBELLAR ATAXIA; ATAXIA, FAMILIAL PAROXYSMAL; CEREBELLAR ATAXIA, PAROXYSMAL, ACETAZOLAMIDE-RESPONSIVE; CEREBELLOPATHY, HEREDITARY PAROXYSMAL; EPISODIC ATAXIA, NYSTAGMUS-ASSOCIATED; ATAXIA, EPISODIC, WITH NYSTAGMUS. Identifiers: Orphanet 97, MedGen C1720416, MONDO:0007163, OMIM 108500.

gnomAD v4.1: 2 of 1,538,704 alleles (0.00013%); highest among the groups gnomAD compares: Admixed American, 0.0041%; no homozygotes.

Submissions (2):

Labcorp Genetics (formerly Invitae), Labcorp
Classification: Likely benign for Developmental and epileptic encephalopathy, 42; Episodic ataxia type 2. Last evaluated: 2025-09-24. Review status: criteria provided, single submitter. Criteria: Invitae Variant Classification Sherloc (09022015). Collection method: clinical testing. Allele origin: germline.

GeneDx
Classification: Uncertain significance. Last evaluated: 2023-11-01. Review status: criteria provided, single submitter. Criteria: GeneDx Variant Classification Process June 2021. Collection method: clinical testing. Allele origin: germline. Affected: yes.
Comment: In silico analysis supports that this missense variant does not alter protein structure/function; Has not been previously published as pathogenic or benign to our knowledge

NM_001127222.2(CACNA1A):c.3464A>G (p.Asn1155Ser)

Gene: CACNA1A (calcium voltage-gated channel subunit alpha1 A; minus strand). Cytogenetic location: 19p13.13.
Variant type: single nucleotide variant.
Coding change: c.3464A>G on transcript NM_001127222.2 (MANE Select); coding-DNA position 3464, A replaced by G.
Protein change: p.Asn1155Ser; replaces asparagine 1155 with serine.
Molecular consequence: missense variant.
Genome position (GRCh38, 1-based): chr19:13,286,592, T>C on the plus strand (A>G on the coding strand, the complement: CACNA1A is on the minus strand). VCF-style: chr19-13286592-T-C. GRCh37 (hg19) VCF-style: chr19-13397406-T-C.
Other names: c.3476A>G, p.Asn1159Ser (NM_000068.4, NM_023035.3); c.3467A>G, p.Asn1156Ser (NM_001127221.2, NM_001174080.2); short protein forms N1155S, N1156S, N1159S.
Identifiers: ClinVar variation 664992 (VCV000664992.10), dbSNP rs992828062, ClinGen allele CA404341317.
Genomic context (GRCh38, chr19:13,286,592, plus strand): 5'-GGGCAGGCTGGGGGGATGTCCACTGTGGTGTGGTCGGGTTTCCTGGCAGTCTTAGCTGAA[T>C]TGGTCTGGGTGCCGCTGGGGTTGGTGACGATAAGGCTATTCTCGGGGGTCTTGGGGGGGC-3'
Protein context (NP_001120694.1, residues 1145-1165): IVTNPSGTQT[Asn1155Ser]SAKTARKPDH